The following is an entry in ClinVar:

ClinVar aggregate classification (germline): Pathogenic. Review status: criteria provided, multiple submitters, no conflicts (2 of 4 stars). 5 submissions from 5 submitters: Pathogenic (5). Last evaluated 2025-03-11.

Conditions:
Neuromuscular disease caused by qualitative or quantitative defects of dystrophin. Also called: Qualitative or quantitative defects of dystrophin. Identifiers: Orphanet 207085, MedGen C5679787, MONDO:0016147.
Becker muscular dystrophy (BMD). Also called: MUSCULAR DYSTROPHY, PSEUDOHYPERTROPHIC PROGRESSIVE, BECKER TYPE; Becker Muscular Dystrophy (BMD). Identifiers: Orphanet 98895, MedGen C0917713, MONDO:0010311, OMIM 300376.
Duchenne muscular dystrophy (DMD). Also called: Duchenne Muscular Dystrophy (DMD); MUSCULAR DYSTROPHY, PSEUDOHYPERTROPHIC PROGRESSIVE, DUCHENNE TYPE. Identifiers: Orphanet 98896, MedGen C0013264, MONDO:0010679, OMIM 310200.

Submissions (5):

3billion
Classification: Pathogenic for Duchenne muscular dystrophy. Last evaluated: 2025-03-11. Review status: criteria provided, single submitter. Criteria: ACMG Guidelines, 2015. Collection method: clinical testing. Allele origin: germline. Affected: yes.
Comment: The variant is not observed in the gnomAD v4.1.0 dataset. Predicted Consequence/Location: Stop-gained (nonsense): predicted to result in a loss or disruption of normal protein function through nonsense-mediated decay (NMD) or protein truncation. Multiple pathogenic variants are reported downstream of the variant. The variant has been reported at least twice as pathogenic without evidence for the classification (ClinVar ID: VCV000285784 / PMID: 11524473). Therefore, this variant is classified as Pathogenic according to the recommendation of ACMG/AMP guideline.

Labcorp Genetics (formerly Invitae), Labcorp
Classification: Pathogenic for Duchenne muscular dystrophy. Last evaluated: 2023-08-04. Review status: criteria provided, single submitter. Criteria: Invitae Variant Classification Sherloc (09022015). Collection method: clinical testing. Allele origin: germline.
Comment: For these reasons, this variant has been classified as Pathogenic. ClinVar contains an entry for this variant (Variation ID: 285784). This premature translational stop signal has been observed in individual(s) with DMD-related dystrophinopathies (PMID: 11524473, 27363342). This variant is not present in population databases (gnomAD no frequency). This sequence change creates a premature translational stop signal (p.Gln532*) in the DMD gene. It is expected to result in an absent or disrupted protein product. Loss-of-function variants in DMD are known to be pathogenic (PMID: 16770791, 25007885).

Women's Health and Genetics/Laboratory Corporation of America, LabCorp
Classification: Pathogenic for Neuromuscular disease caused by qualitative or quantitative defects of dystrophin. Last evaluated: 2023-06-19. Review status: criteria provided, single submitter. Criteria: LabCorp Variant Classification Summary - May 2015. Collection method: clinical testing. Allele origin: germline.
Comment: Variant summary: DMD c.1594C>T (p.Gln532X) results in a premature termination codon, predicted to cause absence of the protein due to nonsense mediated decay, a commonly known mechanism for disease. The variant was absent in 182717 control chromosomes (gnomAD). c.1594C>T has been reported in the literature in individuals affected with Dystrophinopathies such as Duchenne muscular dystrophy (e.g. Xu_2018). These data indicate that the variant is very likely to be associated with disease. The following publication has been ascertained in the context of this evaluation (PMID: 29604111). Two submitters have provided clinical-significance assessments for this variant to ClinVar after 2014 and both classified the variant as pathogenic. Based on the evidence outlined above, the variant was classified as pathogenic.

Baylor Genetics
Classification: Pathogenic for Becker muscular dystrophy. Last evaluated: 2023-05-25. Review status: criteria provided, single submitter. Criteria: ACMG Guidelines, 2015. Collection method: clinical testing. Allele origin: unknown.

Eurofins Ntd Llc (ga)
Classification: Pathogenic. Last evaluated: 2017-08-30. Review status: criteria provided, single submitter. Criteria: EGL Classification Definitions 2015. Collection method: clinical testing. Allele origin: germline. Observed: 3 variant alleles, 1 heterozygote, 2 hemizygotes.

Literature cited by the submitters: PubMed 11524473 (cited by 3billion and Labcorp Genetics (formerly Invitae), Labcorp); PubMed 27363342 (cited by Labcorp Genetics (formerly Invitae), Labcorp); PubMed 16770791 (cited by Labcorp Genetics (formerly Invitae), Labcorp); PubMed 25007885 (cited by Labcorp Genetics (formerly Invitae), Labcorp); PubMed 29604111 (cited by Women's Health and Genetics/Laboratory Corporation of America, LabCorp).

NM_004006.3(DMD):c.1594C>T (p.Gln532Ter)

Gene: DMD (dystrophin; minus strand). Cytogenetic location: Xp21.1.
Variant type: single nucleotide variant.
Coding change: c.1594C>T on transcript NM_004006.3 (MANE Select); coding-DNA position 1594, C replaced by T.
Protein change: p.Gln532Ter; replaces glutamine 532 with a stop codon.
Molecular consequence: nonsense.
Genome position (GRCh38, 1-based): chrX:32,595,765, G>A on the plus strand (C>T on the coding strand, the complement: DMD is on the minus strand). VCF-style: chrX-32595765-G-A. GRCh37 (hg19) VCF-style: chrX-32613882-G-A.
Other names: c.1570C>T, p.Gln524Ter (NM_000109.4); c.1582C>T, p.Gln528Ter (NM_004009.3); c.1225C>T, p.Gln409Ter (NM_004010.3); short protein forms Q532*, Q524*, Q409*, Q528*.
Identifiers: ClinVar variation 285784 (VCV000285784.15), dbSNP rs763936813, ClinGen allele CA10605246.
Genomic context (GRCh38, chrX:32,595,765, plus strand): 5'-GTTATAGTTCTTTTAAAGGACATATTTAGTTTACTAAGCAAAATAATCTGACCTTAAGTT[G>A]TTCTTCCAAAGCAGCAGTTGCGTGATCTCCACTAGATTCATCAACTACCACCACCATGTG-3'